The following is an entry in ClinVar:

NM_001363711.2(DUOX2):c.2207T>A (p.Phe736Tyr)

Gene: DUOX2 (dual oxidase 2; minus strand). Cytogenetic location: 15q21.1.
Variant type: single nucleotide variant.
Coding change: c.2207T>A on transcript NM_001363711.2 (MANE Select); coding-DNA position 2207, T replaced by A.
Protein change: p.Phe736Tyr; replaces phenylalanine 736 with tyrosine.
Molecular consequence: missense variant.
Genome position (GRCh38, 1-based): chr15:45,105,770, A>T on the plus strand (T>A on the coding strand, the complement: DUOX2 is on the minus strand). VCF-style: chr15-45105770-A-T. GRCh37 (hg19) VCF-style: chr15-45397968-A-T.
Other names: c.2207T>A, p.Phe736Tyr (NM_014080.5); short protein forms F736Y.
Identifiers: ClinVar variation 3669858 (VCV003669858.2).

ClinVar aggregate classification (germline): Uncertain significance (1 of 4 stars; one submission).

gnomAD v4.1: 43 of 1,614,134 alleles (0.0027%); highest among the groups gnomAD compares: African/African-American, 0.057%; no homozygotes.

Submission:

Labcorp Genetics (formerly Invitae), Labcorp
Classification: Uncertain significance. Last evaluated: 2025-12-26. Review status: criteria provided, single submitter. Criteria: Invitae Variant Classification Sherloc (09022015). Collection method: clinical testing. Allele origin: germline.
Comment: This sequence change replaces phenylalanine, which is neutral and non-polar, with tyrosine, which is neutral and polar, at codon 736 of the DUOX2 protein (p.Phe736Tyr). This variant is present in population databases (rs143229362, gnomAD 0.06%). This variant has not been reported in the literature in individuals affected with DUOX2-related conditions. ClinVar contains an entry for this variant (Variation ID: 3669858). Invitae Evidence Modeling of protein sequence and biophysical properties (such as structural, functional, and spatial information, amino acid conservation, physicochemical variation, residue mobility, and thermodynamic stability) indicates that this missense variant is not expected to disrupt DUOX2 protein function with a negative predictive value of 80%. In summary, the available evidence is currently insufficient to determine the role of this variant in disease. Therefore, it has been classified as a Variant of Uncertain Significance.